The following is an entry in ClinVar:

NM_001323289.2(CDKL5):c.680T>C (p.Leu227Pro)

Gene: CDKL5 (cyclin dependent kinase like 5; plus strand). Cytogenetic location: Xp22.13.
Variant type: single nucleotide variant.
Coding change: c.680T>C on transcript NM_001323289.2 (MANE Select); coding-DNA position 680, T replaced by C.
Protein change: p.Leu227Pro; replaces leucine 227 with proline.
Molecular consequence: missense variant.
Genome position (GRCh38, 1-based): chrX:18,588,079, T>C. VCF-style: chrX-18588079-T-C. GRCh37 (hg19) VCF-style: chrX-18606199-T-C.
Other names: c.680T>C, p.Leu227Pro (NM_001037343.2, NM_003159.3); short protein forms L227P.
Identifiers: ClinVar variation 955434 (VCV000955434.11), dbSNP rs267608515, ClinGen allele CA412353532.

ClinVar aggregate classification (germline): Uncertain significance. Review status: criteria provided, multiple submitters, no conflicts (2 of 4 stars). 2 submissions from 2 submitters: Uncertain significance (2). Last evaluated 2024-06-20.

Conditions:
Developmental and epileptic encephalopathy, 2 (DEE2). Also called: CDKL5 deficiency disorder; INFANTILE SPASM SYNDROME, X-LINKED 2. Identifiers: Orphanet 1934, Orphanet 3451, Orphanet 505652, MedGen C4750718, MONDO:0010396, OMIM 300672.
Angelman syndrome-like. Identifiers: MedGen CN128785.

Submissions (2):

3billion
Classification: Uncertain significance for Developmental and epileptic encephalopathy, 2. Last evaluated: 2024-06-20. Review status: criteria provided, single submitter. Criteria: ACMG Guidelines, 2015. Collection method: clinical testing. Allele origin: germline. Affected: yes.
Comment: The variant is not observed in the gnomAD v4.0.0 dataset. Predicted Consequence/Location: Missense variant In silico tool predictions suggest damaging effect of the variant on gene or gene product [REVEL: 0.58 (>=0.6, sensitivity 0.68 and specificity 0.92); 3Cnet: 0.85 (>=0.6, sensitivity 0.72 and precision 0.9)]. The same nucleotide change resulting in the same amino acid change has been previously reported to be associated with CDKL5-related disorder (PMID: 22872100). However, the evidence of pathogenicity is insufficient at this time. A different missense change at the same codon (p.Leu227Arg) has been reported to be associated with CDKL5-related disorder (ClinVar ID: VCV000143832 /PMID: 19793311). Therefore, this variant is classified as VUS according to the recommendation of ACMG/AMP guideline.

Labcorp Genetics (formerly Invitae), Labcorp
Classification: Uncertain significance for Developmental and epileptic encephalopathy, 2; Angelman syndrome-like. Last evaluated: 2019-09-18. Review status: criteria provided, single submitter. Criteria: Invitae Variant Classification Sherloc (09022015). Collection method: clinical testing. Allele origin: germline.
Comment: This sequence change replaces leucine with proline at codon 227 of the CDKL5 protein (p.Leu227Pro). The leucine residue is highly conserved and there is a moderate physicochemical difference between leucine and proline. This variant is not present in population databases (ExAC no frequency). This variant has been observed in an individual affected with early onset encephalopathy (PMID: 22872100). Algorithms developed to predict the effect of missense changes on protein structure and function (SIFT, PolyPhen-2, Align-GVGD) all suggest that this variant is likely to be disruptive, but these predictions have not been confirmed by published functional studies and their clinical significance is uncertain. In summary, the available evidence is currently insufficient to determine the role of this variant in disease. Therefore, it has been classified as a Variant of Uncertain Significance.

Literature cited by the submitters: PubMed 19793311 (cited by 3billion); PubMed 22872100 (cited by 3billion and Labcorp Genetics (formerly Invitae), Labcorp).